The following is an entry in ClinVar:

ClinVar aggregate classification (germline): Likely pathogenic (1 of 4 stars; one submission).

Conditions:
Very long chain acyl-CoA dehydrogenase deficiency (ACADVLD). Also called: Very Long-Chain Acyl-Coenzyme A Dehydrogenase Deficiency; VLCAD Deficiency. Identifiers: Orphanet 26793, MedGen C3887523, MONDO:0008723, OMIM 201475.

gnomAD v4.1: 1 of 1,614,116 alleles (0.000062%); highest among the groups gnomAD compares: East Asian, 0.0022%; no homozygotes.

Submission:

Department of Genetics of Metabolic Diseases, Institute of Medical & Molecular Genetics, Hospital Universitario Hospital La Paz
Classification: Likely pathogenic for Very long chain acyl-CoA dehydrogenase deficiency. Last evaluated: 2024-09-01. Review status: criteria provided, single submitter. Criteria: ACMG Guidelines, 2015. Collection method: clinical testing. Allele origin: germline. Inheritance: Autosomal recessive inheritance. Affected: yes.
Comment: The variant NM_000018.3:c.305T>C p.(Leu102Pro) in ACADVL is absent from controls in population databases (gnomAD) and computational prediction tools support a deleterious effect on the gene. Experimental analysis in fibroblasts confirmed the patient showed a significatively educed VLCAD´s activity (PMID: Hidalgo Mayoral I et al., in press).

Literature cited by the submitters: PubMed 41022664.

NM_000018.4(ACADVL):c.305T>C (p.Leu102Pro)

Gene: ACADVL (acyl-CoA dehydrogenase very long chain; plus strand). Cytogenetic location: 17p13.1.
Variant type: single nucleotide variant.
Coding change: c.305T>C on transcript NM_000018.4 (MANE Select); coding-DNA position 305, T replaced by C.
Protein change: p.Leu102Pro; replaces leucine 102 with proline.
Molecular consequence: missense variant.
Genome position (GRCh38, 1-based): chr17:7,220,793, T>C. VCF-style: chr17-7220793-T-C. GRCh37 (hg19) VCF-style: chr17-7124112-T-C.
Other names: c.239T>C, p.Leu80Pro (NM_001033859.3); c.374T>C, p.Leu125Pro (NM_001270447.2); c.77T>C, p.Leu26Pro (NM_001270448.2); short protein forms L102P, L125P, L26P, L80P.
Identifiers: ClinVar variation 3385405 (VCV003385405.1).